The following is an entry in ClinVar:

NM_016032.4(ZDHHC9):c.955A>G (p.Ser319Gly)

Gene: ZDHHC9 (zDHHC palmitoyltransferase 9; minus strand). Cytogenetic location: Xq26.1.
Variant type: single nucleotide variant.
Coding change: c.955A>G on transcript NM_016032.4 (MANE Select); coding-DNA position 955, A replaced by G.
Protein change: p.Ser319Gly; replaces serine 319 with glycine.
Molecular consequence: missense variant.
Genome position (GRCh38, 1-based): chrX:129,810,928, T>C on the plus strand (A>G on the coding strand, the complement: ZDHHC9 is on the minus strand). VCF-style: chrX-129810928-T-C. GRCh37 (hg19) VCF-style: chrX-128944904-T-C.
Other names: c.955A>G, p.Ser319Gly (NM_001008222.3); short protein forms S319G.
Identifiers: ClinVar variation 4710979 (VCV004710979.1).

ClinVar aggregate classification (germline): Uncertain significance (1 of 4 stars; one submission).

Conditions:
Intellectual developmental disorder, X-linked, syndromic, Raymond type. Also called: Syndromic X-linked intellectual disability Raymond type. Identifiers: MedGen C3275406, MONDO:0010427, OMIM 300799.

Submission:

Labcorp Genetics (formerly Invitae), Labcorp
Classification: Uncertain significance for Intellectual developmental disorder, X-linked, syndromic, Raymond type. Last evaluated: 2025-08-22. Review status: criteria provided, single submitter. Criteria: Invitae Variant Classification Sherloc (09022015). Collection method: clinical testing. Allele origin: germline.
Comment: This sequence change replaces serine, which is neutral and polar, with glycine, which is neutral and non-polar, at codon 319 of the ZDHHC9 protein (p.Ser319Gly). This variant is not present in population databases (gnomAD no frequency). This variant has not been reported in the literature in individuals affected with ZDHHC9-related conditions. An algorithm developed to predict the effect of missense changes on protein structure and function (PolyPhen-2) suggests that this variant is likely to be tolerated. In summary, the available evidence is currently insufficient to determine the role of this variant in disease. Therefore, it has been classified as a Variant of Uncertain Significance.